The following is an entry in ClinVar:

ClinVar aggregate classification (germline): Uncertain significance. Review status: criteria provided, multiple submitters, no conflicts (2 of 4 stars). 2 submissions from 2 submitters: Uncertain significance (2). Last evaluated 2024-06-09.

Conditions:
Orofaciodigital syndrome type 6 (OFD6). Also called: OROFACIODIGITAL SYNDROME VI; OFDS VI; POLYDACTYLY, CLEFT LIP/PALATE OR LINGUAL LUMP, AND PSYCHOMOTOR RETARDATION; VARADI SYNDROME; VARADI-PAPP SYNDROME; Oral-facial-digital syndrome type 6. Identifiers: Orphanet 2754, MedGen C2745997, MONDO:0010176, OMIM 277170.
Joubert syndrome 17 (JBTS17). Identifiers: Orphanet 475, MedGen C3553264, MONDO:0013824, OMIM 614615.

Allele frequency attached by ClinVar (database versions not stated): gnomAD 0.00002; TOPMed 0.00003.
gnomAD v4.1: 12 of 1,546,550 alleles (0.00078%); highest among the groups gnomAD compares: African/African-American, 0.0069%; no homozygotes.

Submissions (2):

Fulgent Genetics
Classification: Uncertain significance for Orofaciodigital syndrome type 6; Joubert syndrome 17. Last evaluated: 2024-06-09. Review status: criteria provided, single submitter. Criteria: ACMG Guidelines, 2015. Collection method: clinical testing. Allele origin: germline.

Labcorp Genetics (formerly Invitae), Labcorp
Classification: Uncertain significance. Last evaluated: 2023-07-14. Review status: criteria provided, single submitter. Criteria: Invitae Variant Classification Sherloc (09022015). Collection method: clinical testing. Allele origin: germline.
Comment: This sequence change replaces arginine, which is basic and polar, with glutamine, which is neutral and polar, at codon 466 of the CPLANE1 protein (p.Arg466Gln). This variant is present in population databases (no rsID available, gnomAD 0.02%). This variant has not been reported in the literature in individuals affected with CPLANE1-related conditions. ClinVar contains an entry for this variant (Variation ID: 2421964). Advanced modeling of protein sequence and biophysical properties (such as structural, functional, and spatial information, amino acid conservation, physicochemical variation, residue mobility, and thermodynamic stability) performed at Invitae indicates that this missense variant is not expected to disrupt CPLANE1 protein function. In summary, the available evidence is currently insufficient to determine the role of this variant in disease. Therefore, it has been classified as a Variant of Uncertain Significance.

NM_001384732.1(CPLANE1):c.1397G>A (p.Arg466Gln)

Gene: CPLANE1 (ciliogenesis and planar polarity effector complex subunit 1; minus strand). Cytogenetic location: 5p13.2.
Variant type: single nucleotide variant.
Coding change: c.1397G>A on transcript NM_001384732.1 (MANE Select); coding-DNA position 1397, G replaced by A.
Protein change: p.Arg466Gln; replaces arginine 466 with glutamine.
Molecular consequence: missense variant.
Genome position (GRCh38, 1-based): chr5:37,227,367, C>T on the plus strand (G>A on the coding strand, the complement: CPLANE1 is on the minus strand). VCF-style: chr5-37227367-C-T. GRCh37 (hg19) VCF-style: chr5-37227469-C-T.
Other names: c.1397G>A (NM_023073.3); c.1397G>A, p.Arg466Gln (NM_023073.4); short protein forms R466Q.
Identifiers: ClinVar variation 2421964 (VCV002421964.5), dbSNP rs868467543, ClinGen allele CA117058148.